The following is an entry in ClinVar:

NM_006885.4(ZFHX3):c.10533_10553del (p.Ser3513_Gly3519del)

Genes: ZFHX3 (zinc finger homeobox 3; minus strand), ZFHX3-AS1 (ZFHX3 antisense RNA 1; plus strand). Cytogenetic location: 16q22.2.
Variant type: Deletion.
Coding change: c.10533_10553del on transcript NM_006885.4 (MANE Select); coding-DNA positions 10533 to 10553, 21 bases deleted (TGGCAGTGGCGGCGGCGGCGG).
Protein change: p.Ser3513_Gly3519del.
Genome position (GRCh38, 1-based): chr16:72,787,723-72,787,743, CCGCCGCCGCCGCCACTGCCA deleted on the plus strand (TGGCAGTGGCGGCGGCGGCGG on the coding strand, the reverse complement: ZFHX3 is on the minus strand); deleting any 21 consecutive bases within chr16:72,787,723-72,787,757 gives the same sequence; the c. name uses the placement nearest the transcript's 3' end. VCF-style (leftmost placement, unchanged base first): chr16-72787722-GCCGCCGCCGCCGCCACTGCCA-G. GRCh37 (hg19) VCF-style: chr16-72821621-GCCGCCGCCGCCGCCACTGCCA-G.
Other names: c.7791_7811del, p.Ser2599_Gly2605del (NM_001164766.2); c.10533_10553del, p.Ser3513_Gly3519del (NM_001386735.1).
Identifiers: ClinVar variation 4084412 (VCV004084412.8).

ClinVar aggregate classification (germline): Likely benign (1 of 4 stars; one submission).

Submission:

CeGaT Center for Human Genetics Tuebingen
Classification: Likely benign. Last evaluated: 2025-08-01. Review status: criteria provided, single submitter. Criteria: CeGaT Center For Human Genetics Tuebingen Variant Classification Criteria Version 2. Collection method: clinical testing. Allele origin: germline. Affected: yes. Observed: 1 variant allele.
Comment: ZFHX3: BS2